The following is an entry in ClinVar:

ClinVar aggregate classification (germline): Uncertain significance. Review status: criteria provided, multiple submitters, no conflicts (2 of 4 stars). 5 submissions from 4 submitters: Uncertain significance (5). Last evaluated 2026-03-15.

Conditions:
Osteogenesis imperfecta (OI). Identifiers: Orphanet 666, MedGen C0029434, MeSH D010013, MONDO:0019019.
Osteogenesis imperfecta type I (OI1). Also called: Lobstein disease; OI, TYPE I; OSTEOGENESIS IMPERFECTA TARDA; OSTEOGENESIS IMPERFECTA WITH BLUE SCLERAE; Classic Non-deforming Osteogenesis Imperfecta with Blue Sclerae; Osteogenesis imperfecta type 1. Identifiers: Orphanet 216796, Orphanet 666, MedGen C0023931, MONDO:0008146, OMIM 166200. Disease mechanism: loss of function.
Ehlers-Danlos syndrome, classic type, 1 (EDSCL1). Also called: EHLERS-DANLOS SYNDROME, GRAVIS TYPE; EHLERS-DANLOS SYNDROME, SEVERE CLASSIC TYPE; Ehlers-Danlos Syndrome, Classic Type, COL5A1-Related; EDS I; Ehlers-Danlos syndrome, type 1. Identifiers: MedGen C0268335, MONDO:0019567, OMIM 130000.
Ehlers-Danlos syndrome, arthrochalasia type, 2. Also called: EHLERS-DANLOS SYNDROME, TYPE VIIB, AUTOSOMAL DOMINANT. Identifiers: MedGen CN293783, MONDO:0040501, OMIM 617821.
Cardiovascular phenotype. Identifiers: MedGen CN230736.

Allele frequency attached by ClinVar (database versions not stated): TOPMed 0.00001; gnomAD 0.00003.
gnomAD v4.1: 47 of 1,591,458 alleles (0.003%); highest among the groups gnomAD compares: Non-Finnish European, 0.0038%; no homozygotes.

Submissions (5):

Ambry Genetics
Classification: Uncertain significance for Cardiovascular phenotype. Last evaluated: 2026-03-15. Review status: criteria provided, single submitter. Criteria: Ambry Variant Classification Scheme 2023. Collection method: clinical testing. Allele origin: germline.
Comment: The p.P624A variant (also known as c.1870C>G), located in coding exon 32 of the COL1A2 gene, results from a C to G substitution at nucleotide position 1870. The proline at codon 624 is replaced by alanine, an amino acid with highly similar properties. This amino acid position is conserved. In addition, the in silico prediction for this alteration is inconclusive. Based on the available evidence, the clinical significance of this variant remains unclear.

Labcorp Genetics (formerly Invitae), Labcorp
Classification: Uncertain significance for Osteogenesis imperfecta type I; Ehlers-Danlos syndrome, classic type, 1. Last evaluated: 2025-02-27. Review status: criteria provided, single submitter. Criteria: Invitae Variant Classification Sherloc (09022015). Collection method: clinical testing. Allele origin: germline.
Comment: This sequence change replaces proline, which is neutral and non-polar, with alanine, which is neutral and non-polar, at codon 624 of the COL1A2 protein (p.Pro624Ala). This variant is present in population databases (no rsID available, gnomAD 0.0009%). This variant has not been reported in the literature in individuals affected with COL1A2-related conditions. ClinVar contains an entry for this variant (Variation ID: 360957). Invitae Evidence Modeling of protein sequence and biophysical properties (such as structural, functional, and spatial information, amino acid conservation, physicochemical variation, residue mobility, and thermodynamic stability) indicates that this missense variant is not expected to disrupt COL1A2 protein function with a negative predictive value of 95%. In summary, the available evidence is currently insufficient to determine the role of this variant in disease. Therefore, it has been classified as a Variant of Uncertain Significance.

ARUP Laboratories, Molecular Genetics and Genomics, ARUP Laboratories
Classification: Uncertain significance. Last evaluated: 2024-09-20. Review status: criteria provided, single submitter. Criteria: ARUP Molecular Germline Variant Investigation Process 2024. Collection method: clinical testing. Allele origin: germline.
Comment: The COL1A2 c.1870C>G; p.Pro624Ala variant (rs886062517), to our knowledge, is not reported in the medical literature but is reported in ClinVar (Variation ID: 360957). This variant is only found on one allele in the Genome Aggregation Database (v2.1.1), indicating it is not a common polymorphism. Computational analyses are uncertain whether this variant is neutral or deleterious (REVEL: 0.397). Due to limited information, the clinical significance of this variant is uncertain at this time.

Illumina Laboratory Services, Illumina
Classification: Uncertain significance for Ehlers-Danlos syndrome, arthrochalasia type, 2. Last evaluated: 2018-01-13. Review status: criteria provided, single submitter. Criteria: ICSL Variant Classification Criteria 13 December 2019. Collection method: clinical testing. Allele origin: germline.

Illumina Laboratory Services, Illumina
Classification: Uncertain significance for Osteogenesis imperfecta. Last evaluated: 2018-01-13. Review status: criteria provided, single submitter. Criteria: ICSL Variant Classification Criteria 13 December 2019. Collection method: clinical testing. Allele origin: germline.

NM_000089.4(COL1A2):c.1870C>G (p.Pro624Ala)

Gene: COL1A2 (collagen type I alpha 2 chain; plus strand). Cytogenetic location: 7q21.3.
Variant type: single nucleotide variant.
Coding change: c.1870C>G on transcript NM_000089.4 (MANE Select); coding-DNA position 1870, C replaced by G.
Protein change: p.Pro624Ala; replaces proline 624 with alanine.
Molecular consequence: missense variant.
Genome position (GRCh38, 1-based): chr7:94,417,730, C>G. VCF-style: chr7-94417730-C-G. GRCh37 (hg19) VCF-style: chr7-94047042-C-G.
Other names: short protein forms P624A.
Identifiers: ClinVar variation 360957 (VCV000360957.13), dbSNP rs886062517, ClinGen allele CA10626600.
Genomic context (GRCh38, chr7:94,417,730, plus strand): 5'-TCTTCATTTTCTTCTTTCTCCACTAAAATTGATTTCACATGTGTTTGACTCAAGGGTGAA[C>G]CTGGTGTGGTTGGTGCTGTGGGCACTGCTGGTCCATCTGGTCCTAGTGGACTCCCAGGAG-3'
Protein context (NP_000080.2, residues 614-634): PPGPDGNKGE[Pro624Ala]GVVGAVGTAG